The following is an entry in ClinVar:

NM_017534.6(MYH2):c.3359G>A (p.Arg1120His)

Genes: MYHAS (myosin heavy chain gene cluster antisense RNA; plus strand), MYH2 (myosin heavy chain 2; minus strand). Cytogenetic location: 17p13.1.
Variant type: single nucleotide variant.
Coding change: c.3359G>A on transcript NM_017534.6 (MANE Select); coding-DNA position 3359, G replaced by A.
Protein change: p.Arg1120His; replaces arginine 1120 with histidine.
Molecular consequence: missense variant.
Genome position (GRCh38, 1-based): chr17:10,529,075, C>T on the plus strand (G>A on the coding strand, the complement: MYH2 is on the minus strand). VCF-style: chr17-10529075-C-T. GRCh37 (hg19) VCF-style: chr17-10432392-C-T.
Other names: c.3359G>A, p.Arg1120His (NM_001100112.2); short protein forms R1120H.
Identifiers: ClinVar variation 2080377 (VCV002080377.5), dbSNP rs752746936, ClinGen allele CA8390916.
Genomic context (GRCh38, chr17:10,529,075, plus strand): 5'-TTCTCTGCTTTGGCCCGGGAGGCCCGCTCTGCCTCGATTTCCTCCTCCAGCTCCTCAATG[C>T]GGGCCTGGGAATGGTGGAAAATACAAACTCAGCTTCTTTGTGTCATAACTGCCTCCGAGC-3'
Protein context (NP_060004.3, residues 1110-1130): LQKKIKELQA[Arg1120His]IEELEEEIEA

ClinVar aggregate classification (germline): Uncertain significance. Review status: criteria provided, multiple submitters, no conflicts (2 of 4 stars). 2 submissions from 2 submitters: Uncertain significance (2). Last evaluated 2024-11-19.

Conditions:
Myopathy, proximal, and ophthalmoplegia (CMYO6). Also called: CONGENITAL MYOPATHY 6 WITH OPHTHALMOPLEGIA; MYOPATHY WITH CONGENITAL JOINT CONTRACTURES, OPHTHALMOPLEGIA, AND RIMMED VACUOLES; INCLUSION BODY MYOPATHY 3, AUTOSOMAL DOMINANT. Identifiers: Orphanet 363677, Orphanet 79091, MedGen C1854106, MONDO:0011577, OMIM 605637.

Allele frequency attached by ClinVar (database versions not stated): TOPMed 0.00001; gnomAD 0.00002; gnomAD exomes 0.00002; ExAC 0.00004.
gnomAD v4.1: 31 of 1,614,090 alleles (0.0019%); highest among the groups gnomAD compares: Middle Eastern, 0.033%; no homozygotes.

Submissions (2):

Revvity Omics, Revvity
Classification: Uncertain significance for Myopathy, proximal, and ophthalmoplegia. Last evaluated: 2024-11-19. Review status: criteria provided, single submitter. Criteria: ACMG Guidelines, 2015. Collection method: clinical testing. Allele origin: germline.

Labcorp Genetics (formerly Invitae), Labcorp
Classification: Uncertain significance for Myopathy, proximal, and ophthalmoplegia. Last evaluated: 2024-06-04. Review status: criteria provided, single submitter. Criteria: Invitae Variant Classification Sherloc (09022015). Collection method: clinical testing. Allele origin: germline.
Comment: This sequence change replaces arginine, which is basic and polar, with histidine, which is basic and polar, at codon 1120 of the MYH2 protein (p.Arg1120His). This variant is present in population databases (rs752746936, gnomAD 0.004%). This variant has not been reported in the literature in individuals affected with MYH2-related conditions. ClinVar contains an entry for this variant (Variation ID: 2080377). Advanced modeling of protein sequence and biophysical properties (such as structural, functional, and spatial information, amino acid conservation, physicochemical variation, residue mobility, and thermodynamic stability) performed at Invitae indicates that this missense variant is not expected to disrupt MYH2 protein function with a negative predictive value of 80%. In summary, the available evidence is currently insufficient to determine the role of this variant in disease. Therefore, it has been classified as a Variant of Uncertain Significance.